The following is an entry in ClinVar:

NM_015311.3(OBSL1):c.5146G>C (p.Glu1716Gln)

Gene: OBSL1 (obscurin like cytoskeletal adaptor 1; minus strand). Cytogenetic location: 2q35.
Variant type: single nucleotide variant.
Coding change: c.5146G>C on transcript NM_015311.3 (MANE Select); coding-DNA position 5146, G replaced by C.
Protein change: p.Glu1716Gln; replaces glutamic acid 1716 with glutamine.
Molecular consequence: missense variant.
Genome position (GRCh38, 1-based): chr2:219,552,868, C>G on the plus strand (G>C on the coding strand, the complement: OBSL1 is on the minus strand). VCF-style: chr2-219552868-C-G. GRCh37 (hg19) VCF-style: chr2-220417590-C-G.
Other names: short protein forms E1716Q.
Identifiers: ClinVar variation 2004297 (VCV002004297.4), dbSNP rs2546190816, ClinGen allele CA350719789.

ClinVar aggregate classification (germline): Uncertain significance (1 of 4 stars; one submission).

Submission:

Labcorp Genetics (formerly Invitae), Labcorp
Classification: Uncertain significance. Last evaluated: 2022-06-10. Review status: criteria provided, single submitter. Criteria: Invitae Variant Classification Sherloc (09022015). Collection method: clinical testing. Allele origin: germline.
Comment: This sequence change replaces glutamic acid, which is acidic and polar, with glutamine, which is neutral and polar, at codon 1716 of the OBSL1 protein (p.Glu1716Gln). This variant also falls at the last nucleotide of exon 17, which is part of the consensus splice site for this exon. This variant is not present in population databases (gnomAD no frequency). This variant has not been reported in the literature in individuals affected with OBSL1-related conditions. Algorithms developed to predict the effect of missense changes on protein structure and function are either unavailable or do not agree on the potential impact of this missense change (SIFT: "Deleterious"; PolyPhen-2: "Benign"; Align-GVGD: "Class C0"). Variants that disrupt the consensus splice site are a relatively common cause of aberrant splicing (PMID: 17576681, 9536098). Algorithms developed to predict the effect of sequence changes on RNA splicing suggest that this variant may disrupt the consensus splice site. In summary, the available evidence is currently insufficient to determine the role of this variant in disease. Therefore, it has been classified as a Variant of Uncertain Significance.

Literature cited by the submitters: PubMed 17576681; PubMed 9536098.